The following is an entry in ClinVar:

NM_018255.4(ELP2):c.221C>T (p.Pro74Leu)

Gene: ELP2 (elongator acetyltransferase complex subunit 2; plus strand). Cytogenetic location: 18q12.2.
Variant type: single nucleotide variant.
Coding change: c.221C>T on transcript NM_018255.4 (MANE Select); coding-DNA position 221, C replaced by T.
Protein change: p.Pro74Leu; replaces proline 74 with leucine.
Molecular consequence: missense variant. On other transcripts: 5 prime UTR variant (1), non-coding transcript variant (4).
Genome position (GRCh38, 1-based): chr18:36,136,310, C>T. VCF-style: chr18-36136310-C-T. GRCh37 (hg19) VCF-style: chr18-33716273-C-T.
Other names: c.221C>T, p.Pro74Leu (NM_001242875.3, NM_001242876.3, NM_001242877.3 and 5 more transcripts); c.-227C>T (NM_001324468.2); short protein forms P74L.
Identifiers: ClinVar variation 5043353 (VCV005043353.1).

ClinVar aggregate classification (germline): Likely pathogenic (1 of 4 stars; one submission).

Conditions:
Intellectual developmental disorder, autosomal recessive 58. Also called: Intellectual disability, autosomal recessive 58. Identifiers: MedGen C4310641, MONDO:0014996, OMIM 617270.

gnomAD v4.1: 2 of 1,610,044 alleles (0.00012%); highest among the groups gnomAD compares: Non-Finnish European, 0.000085%; no homozygotes.

Submission:

Cellular and Molecular Research Center, Cellular and Molecular Medicine Research Institute,, Urmia University of Medical Sciences
Classification: Likely pathogenic for Intellectual developmental disorder, autosomal recessive 58. Last evaluated: 2026-10-18. Review status: criteria provided, single submitter. Criteria: ACMG Guidelines, 2015. Collection method: clinical testing. Allele origin: germline. Inheritance: Autosomal recessive inheritance. Affected: yes. Observed: 1 variant allele, 1 homozygote.
Comment: The ELP2 gene encodes Elongator complex subunit 2, a component of the Elongator complex. This complex participates in transcription regulation, histone modification and transfer RNA (tRNA) modification, processes essential for normal cellular function and neurological development. The variant c.221C>T is a single-nucleotide substitution in which cytosine (C), a pyrimidine, is replaced by thymine (T), also a pyrimidine. It is therefore a pyrimidine-to-pyrimidine transition. This is a missense variant that changes proline to leucine at amino-acid position 74 (p.Pro74Leu). It is not an insertion, deletion or frameshift.ELP2 dysfunction may impair the stability and activity of the Elongator complex, particularly its role in tRNA modification. Experimental studies have shown that disease-associated ELP2 variants can reduce Elongator activity and disturb protein synthesis, neuronal development and brain function. These mechanisms may contribute to intellectual disability, developmental delay and other neurological manifestations.

Literature cited by the submitters: PubMed 25847581.